The following is an entry in ClinVar:

ClinVar aggregate classification (germline): Likely benign. Review status: criteria provided, multiple submitters, no conflicts (2 of 4 stars). 4 submissions from 4 submitters: Likely benign (4). Last evaluated 2026-01-18.

Allele frequency attached by ClinVar (database versions not stated): ExAC 0.00007; gnomAD exomes 0.00008 and 0.00009; TOPMed 0.00011; gnomAD 0.00015; 1000 Genomes Project 30x 0.00016; 1000 Genomes Project 0.00020; ESP Exome Variant Server 0.00031.
gnomAD v4.1: 136 of 1,614,136 alleles (0.0084%); highest among the groups gnomAD compares: Non-Finnish European, 0.01%; no homozygotes.

Submissions (4):

Labcorp Genetics (formerly Invitae), Labcorp
Classification: Likely benign. Last evaluated: 2026-01-18. Review status: criteria provided, single submitter. Criteria: Invitae Variant Classification Sherloc (09022015). Collection method: clinical testing. Allele origin: germline.

Blueprint Genetics
Classification: Likely benign. Last evaluated: 2024-11-19. Review status: criteria provided, single submitter. Criteria: ACMG Guidelines, 2015. Collection method: clinical testing. Allele origin: germline.

CeGaT Center for Human Genetics Tuebingen
Classification: Likely benign. Last evaluated: 2023-12-01. Review status: criteria provided, single submitter. Criteria: CeGaT Center For Human Genetics Tuebingen Variant Classification Criteria Version 2. Collection method: clinical testing. Allele origin: germline. Affected: yes. Observed: 1 variant allele.
Comment: MED17: BP4, BP7

Genetic Services Laboratory, University of Chicago
Classification: Likely benign. Last evaluated: 2016-01-06. Review status: criteria provided, single submitter. Criteria: ACMG Guidelines, 2015. Collection method: clinical testing. Allele origin: germline. Affected: no.

NM_004268.5(MED17):c.1752T>C (p.Asn584=)

Gene: MED17 (mediator complex subunit 17; plus strand). Cytogenetic location: 11q21.
Variant type: single nucleotide variant.
Coding change: c.1752T>C on transcript NM_004268.5 (MANE Select); coding-DNA position 1752, T replaced by C.
Protein change: p.Asn584=; no amino-acid change (asparagine 584 retained).
Molecular consequence: synonymous variant.
Genome position (GRCh38, 1-based): chr11:93,811,860, T>C. VCF-style: chr11-93811860-T-C. GRCh37 (hg19) VCF-style: chr11-93545026-T-C.
Identifiers: ClinVar variation 435848 (VCV000435848.39), dbSNP rs138934738, ClinGen allele CA6232711.